The following is an entry in ClinVar:

NM_001271938.2(MEGF8):c.2537C>T (p.Ser846Leu)

Gene: MEGF8 (multiple EGF like domains 8; plus strand). Cytogenetic location: 19q13.2.
Variant type: single nucleotide variant.
Coding change: c.2537C>T on transcript NM_001271938.2 (MANE Select); coding-DNA position 2537, C replaced by T.
Protein change: p.Ser846Leu; replaces serine 846 with leucine.
Molecular consequence: missense variant.
Genome position (GRCh38, 1-based): chr19:42,350,185, C>T. VCF-style: chr19-42350185-C-T. GRCh37 (hg19) VCF-style: chr19-42854337-C-T.
Other names: c.2336C>T, p.Ser779Leu (NM_001410.3); short protein forms S779L, S846L.
Identifiers: ClinVar variation 718170 (VCV000718170.13), dbSNP rs148207079, ClinGen allele CA9474753.

ClinVar aggregate classification (germline): Conflicting classifications of pathogenicity. Review status: criteria provided, conflicting classifications (1 of 4 stars). 4 submissions from 4 submitters: Uncertain significance (2); Likely benign (2). Last evaluated 2025-04-16.

Conditions:
Inborn genetic diseases. Identifiers: MedGen C0950123, MeSH D030342.
MEGF8-related Carpenter syndrome. Also called: Carpenter syndrome 2. Identifiers: Orphanet 65759, MedGen C3554247, MONDO:0013998, OMIM 614976.

Allele frequency attached by ClinVar (database versions not stated): ESP Exome Variant Server 0.00008; gnomAD 0.00014 and 0.00022; TOPMed 0.00022; gnomAD exomes 0.00023 and 0.00046; ExAC 0.00051; 1000 Genomes Project 0.00100; 1000 Genomes Project 30x 0.00109.
gnomAD v4.1: 389 of 1,613,558 alleles (0.024%); highest among the groups gnomAD compares: East Asian, 0.74%; 1 homozygote.

Submissions (4):

GeneDx
Classification: Uncertain significance. Last evaluated: 2025-04-16. Review status: criteria provided, single submitter. Criteria: GeneDx Variant Classification Process June 2021. Collection method: clinical testing. Allele origin: germline. Affected: yes.
Comment: In silico analysis supports that this missense variant has a deleterious effect on protein structure/function; Has not been previously published as pathogenic or benign to our knowledge

Labcorp Genetics (formerly Invitae), Labcorp
Classification: Likely benign for MEGF8-related Carpenter syndrome. Last evaluated: 2025-04-14. Review status: criteria provided, single submitter. Criteria: Invitae Variant Classification Sherloc (09022015). Collection method: clinical testing. Allele origin: germline.

Ambry Genetics
Classification: Uncertain significance for Inborn genetic diseases. Last evaluated: 2024-11-25. Review status: criteria provided, single submitter. Criteria: Ambry Variant Classification Scheme 2023. Collection method: clinical testing. Allele origin: germline.

Breakthrough Genomics
Classification: Likely benign. Review status: criteria provided, single submitter. Criteria: ACMG Guidelines, 2015. Collection method: not provided. Allele origin: germline. Inheritance: Autosomal recessive inheritance. Affected: yes.